The following is an entry in ClinVar:

ClinVar aggregate classification (germline): Likely benign. Review status: criteria provided, multiple submitters, no conflicts (2 of 4 stars). 4 submissions from 4 submitters: Likely benign (3). 1 of the submissions does not count toward it. Last evaluated 2025-10-26.

Conditions:
PHKB-related disorder. Also called: PHKB-related condition.
Glycogen storage disease IXb (GSD9B). Also called: PHOSPHORYLASE KINASE DEFICIENCY OF LIVER AND MUSCLE, AUTOSOMAL RECESSIVE; GLYCOGENOSIS OF LIVER AND MUSCLE, AUTOSOMAL RECESSIVE; GSD IXb. Identifiers: Orphanet 79240, MedGen C0543514, MONDO:0009868, OMIM 261750.

Allele frequency attached by ClinVar (database versions not stated): gnomAD 0.00004; TOPMed 0.00005; ExAC 0.00008; ESP Exome Variant Server 0.00023.
gnomAD v4.1: 64 of 1,614,052 alleles (0.004%); highest among the groups gnomAD compares: Middle Eastern, 0.016%; no homozygotes.

Submissions (4):

Labcorp Genetics (formerly Invitae), Labcorp
Classification: Likely benign for Glycogen storage disease IXb. Last evaluated: 2025-10-26. Review status: criteria provided, single submitter. Criteria: Invitae Variant Classification Sherloc (09022015). Collection method: clinical testing. Allele origin: germline.

Blueprint Genetics
Classification: Likely benign. Last evaluated: 2024-02-08. Review status: criteria provided, single submitter. Criteria: ACMG Guidelines, 2015. Collection method: clinical testing. Allele origin: germline.

GeneDx
Classification: Likely benign. Last evaluated: 2017-09-05. Review status: criteria provided, single submitter. Criteria: GeneDx Variant Classification (06012015). Collection method: clinical testing. Allele origin: germline. Affected: yes.
Comment: This variant is considered likely benign or benign based on one or more of the following criteria: it is a conservative change, it occurs at a poorly conserved position in the protein, it is predicted to be benign by multiple in silico algorithms, and/or has population frequency not consistent with disease.

PreventionGenetics, part of Exact Sciences
Classification: Likely benign for PHKB-related condition. Last evaluated: 2023-09-29. Review status: no assertion criteria provided. Collection method: clinical testing. Allele origin: germline. Not counted in ClinVar's aggregate classification.
Comment: This variant is classified as likely benign based on ACMG/AMP sequence variant interpretation guidelines (Richards et al. 2015 PMID: 25741868, with internal and published modifications).

NM_000293.3(PHKB):c.258C>T (p.Asp86=)

Genes: PHKB (phosphorylase kinase regulatory subunit beta; plus strand), LOC112449713 (Sharpr-MPRA regulatory region 10524; plus strand). Cytogenetic location: 16q12.1.
Variant type: single nucleotide variant.
Coding change: c.258C>T on transcript NM_000293.3 (MANE Select); coding-DNA position 258, C replaced by T.
Protein change: p.Asp86=; no amino-acid change (aspartic acid 86 retained).
Molecular consequence: synonymous variant.
Genome position (GRCh38, 1-based): chr16:47,499,847, C>T. VCF-style: chr16-47499847-C-T. GRCh37 (hg19) VCF-style: chr16-47533758-C-T.
Other names: c.237C>T (NM_001031835.2); c.237C>T, p.Asp79= (NM_001031835.3); c.258C>T, p.Asp86= (NM_001363837.1).
Identifiers: ClinVar variation 511197 (VCV000511197.12), dbSNP rs147357783, ClinGen allele CA8040411.